The following is an entry in ClinVar:

ClinVar aggregate classification (germline): Uncertain significance (1 of 4 stars; one submission).

Submission:

CeGaT Center for Human Genetics Tuebingen
Classification: Uncertain significance. Last evaluated: 2024-08-01. Review status: criteria provided, single submitter. Criteria: CeGaT Center For Human Genetics Tuebingen Variant Classification Criteria Version 2. Collection method: clinical testing. Allele origin: germline. Affected: yes. Observed: 1 variant allele.
Comment: NSD1: PM2

NM_022455.5(NSD1):c.6968C>T (p.Ala2323Val)

Gene: NSD1 (nuclear receptor binding SET domain protein 1; plus strand). Cytogenetic location: 5q35.3.
Variant type: single nucleotide variant.
Coding change: c.6968C>T on transcript NM_022455.5 (MANE Select); coding-DNA position 6968, C replaced by T.
Protein change: p.Ala2323Val; replaces alanine 2323 with valine.
Molecular consequence: missense variant.
Genome position (GRCh38, 1-based): chr5:177,294,336, C>T. VCF-style: chr5-177294336-C-T. GRCh37 (hg19) VCF-style: chr5-176721337-C-T.
Other names: c.6095C>T, p.Ala2032Val (NM_001365684.2, NM_001409308.1, NM_172349.5); c.6968C>T, p.Ala2323Val (NM_001409301.1, NM_001409302.1, NM_001409303.1); c.6548C>T, p.Ala2183Val (NM_001409304.1); c.6215C>T, p.Ala2072Val (NM_001409305.1); c.6206C>T, p.Ala2069Val (NM_001409306.1, NM_001409307.1); c.5846C>T, p.Ala1949Val (NM_001409309.1); short protein forms A1949V, A2032V, A2069V, A2072V, A2183V, A2323V.
Identifiers: ClinVar variation 3342136 (VCV003342136.16).
Genomic context (GRCh38, chr5:177,294,336, plus strand): 5'-GGACCAAATCCCAATCCTTGGTTTCCAGCCAGAGGCCACTGGACAGGCCACCAGCAGTGG[C>T]AGGACCAAGACCCCAGCTAAGCGACAAACCCTCTCCAGTGACCAGCCCAAGCTCCTCACC-3'
Protein context (NP_071900.2, residues 2313-2333): QRPLDRPPAV[Ala2323Val]GPRPQLSDKP